The following is an entry in ClinVar:

ClinVar aggregate classification (germline): Pathogenic (1 of 4 stars; one submission).

Conditions:
Familial adenomatous polyposis 1 (FAP1). Also called: FAMILIAL ADENOMATOUS POLYPOSIS 1, ATTENUATED; POLYPOSIS, ADENOMATOUS INTESTINAL. Identifiers: MedGen C2713442, MONDO:0021056, OMIM 175100. Disease mechanism: loss of function.

Submission:

National Molecular Genetics Centre of Cancer Research, N.N. Alexandrov National Cancer Centre of Belarus
Classification: Pathogenic for Familial adenomatous polyposis 1. Review status: criteria provided, single submitter. Criteria: ACMG Guidelines, 2015. Collection method: clinical testing. Allele origin: germline. Inheritance: Autosomal dominant inheritance. Affected: yes.
Comment: This variant is considered pathogenic. PVS1 - еhis variant creates a frameshift predicted to result in premature protein truncation (stop codon at Asp364 position). PP4 - patient's phenotype is highly specific for a disease with a single genetic aetiology. PM2 - variant is absent in Gnomad database.

NM_000038.6(APC):c.1030dup (p.Cys344fs)

Gene: APC (APC regulator of Wnt signaling pathway; plus strand). Cytogenetic location: 5q22.2.
Variant type: Duplication.
Coding change: c.1030dup on transcript NM_000038.6 (MANE Select); coding-DNA position 1030, one base duplicated (T; older notation c.1030dupT).
Protein change: p.Cys344fs; shifts the reading frame from cysteine 344.
Molecular consequence: frameshift variant. On other transcripts: non-coding transcript variant (2), intron variant (15).
Genome position (GRCh38, 1-based): chr5:112,819,062, T duplicated. VCF-style (leftmost placement, unchanged base first): chr5-112819061-C-CT. GRCh37 (hg19) VCF-style: chr5-112154758-C-CT.
Other names: c.1030dup, p.Cys344fs (NM_001127510.3, NM_001354895.2, NM_001354896.2 and 4 more transcripts); c.976dup, p.Cys326fs (NM_001127511.3); c.1060dup, p.Cys354fs (NM_001354897.2, NM_001407446.1); c.955dup, p.Cys319fs (NM_001354898.2, NM_001407451.1); c.946dup, p.Cys316fs (NM_001354899.2, NM_001407452.1); c.853dup, p.Cys285fs (NM_001354900.2, NM_001354901.2, NM_001407453.1); c.181dup, p.Cys61fs (NM_001354906.2, NM_001407470.1); c.85-207dup (NM_001407472.1, NM_001407471.1); and 5 more; short protein forms C285fs, C316fs, C319fs, C326fs, C344fs, C354fs, C61fs.
Identifiers: ClinVar variation 3385345 (VCV003385345.2).
Genomic context (GRCh38, chr5:112,819,061, plus strand): 5'-TACTCATGATAAGGATGATATGTCGCGAACTTTGCTAGCTATGTCTAGCTCCCAAGACAG[C>CT]TGTATATCCATGCGACAGTCTGGATGTCTTCCTCTCCTCATCCAGCTTTTACATGGCAAT-3'